The following is an entry in ClinVar:

NM_000183.3(HADHB):c.*136G>C

Gene: HADHB (hydroxyacyl-CoA dehydrogenase trifunctional multienzyme complex subunit beta; plus strand). Cytogenetic location: 2p23.3.
Variant type: single nucleotide variant.
Coding change: c.*136G>C on transcript NM_000183.3 (MANE Select); 136 bases downstream of the stop codon, G replaced by C.
Molecular consequence: 3 prime UTR variant.
Genome position (GRCh38, 1-based): chr2:26,290,089, G>C. VCF-style: chr2-26290089-G-C. GRCh37 (hg19) VCF-style: chr2-26512957-G-C.
Other names: c.*136G>C (NM_001281512.2, NM_001281513.2).
Identifiers: ClinVar variation 335410 (VCV000335410.9), dbSNP rs1056471, ClinGen allele CA10615080.

ClinVar aggregate classification (germline): Benign. Review status: criteria provided, multiple submitters, no conflicts (2 of 4 stars). 3 submissions from 3 submitters: Benign (3). Last evaluated 2018-01-13.

Conditions:
Mitochondrial trifunctional protein deficiency. Identifiers: Orphanet 746, MedGen C1969443, MONDO:0012172.

Allele frequency attached by ClinVar (database versions not stated): 1000 Genomes Project 0.71106; 1000 Genomes Project 30x 0.72252; TOPMed 0.85018; gnomAD exomes 0.85253; gnomAD 0.86949 and 0.88075.
gnomAD v4.1: 653,964 of 763,492 alleles (86%); highest among the groups gnomAD compares: Middle Eastern, 93%; 293,249 homozygotes.

Submissions (3):

Illumina Laboratory Services, Illumina
Classification: Benign for Mitochondrial trifunctional protein deficiency 1. Last evaluated: 2018-01-13. Review status: criteria provided, single submitter. Criteria: ICSL Variant Classification Criteria 13 December 2019. Collection method: clinical testing. Allele origin: germline.
Comment: This variant was observed in the ICSL laboratory as part of a predisposition screen in an ostensibly healthy population. It had not been previously curated by ICSL or reported in the Human Gene Mutation Database (HGMD: prior to June 1st, 2018), and was therefore a candidate for classification through an automated scoring system. Utilizing variant allele frequency, disease prevalence and penetrance estimates, and inheritance mode, an automated score was calculated to assess if this variant is too frequent to cause the disease. Based on the score and internal cut-off values, a variant classified as benign is not then subjected to further curation. The score for this variant resulted in a classification of benign for this disease.

GeneDx
Classification: Benign. Last evaluated: 2015-03-03. Review status: criteria provided, single submitter. Criteria: GeneDx Variant Classification Process June 2021. Collection method: clinical testing. Allele origin: germline. Affected: yes.

Breakthrough Genomics
Classification: Benign. Review status: criteria provided, single submitter. Criteria: ACMG Guidelines, 2015. Collection method: not provided. Allele origin: germline. Inheritance: Autosomal recessive inheritance. Affected: yes.